The following is an entry in ClinVar:

NM_004415.4(DSP):c.919C>T (p.Gln307Ter)

Gene: DSP (desmoplakin; plus strand). Cytogenetic location: 6p24.3.
Variant type: single nucleotide variant.
Coding change: c.919C>T on transcript NM_004415.4 (MANE Select); coding-DNA position 919, C replaced by T.
Protein change: p.Gln307Ter; replaces glutamine 307 with a stop codon.
Molecular consequence: nonsense.
Genome position (GRCh38, 1-based): chr6:7,565,500, C>T. VCF-style: chr6-7565500-C-T. GRCh37 (hg19) VCF-style: chr6-7565733-C-T.
Other names: c.919C>T, p.Gln307Ter (NM_001008844.3, NM_001319034.2); short protein forms Q307*.
Identifiers: ClinVar variation 517382 (VCV000517382.8), dbSNP rs1238227166, ClinGen allele CA362674648.
Genomic context (GRCh38, chr6:7,565,500, plus strand): 5'-AATGACTGCGAGGAGGAGGAGCTGCTGTACGACTGGAGCGACAAGAACACCAACATCGCT[C>T]AGAAACAGGAGGCCTTCTCCGTAAGTTCACCCCACGCGGCTGTAGATGCTTGTCTTGAGC-3'

ClinVar aggregate classification (germline): Pathogenic/Likely pathogenic. Review status: criteria provided, multiple submitters, no conflicts (2 of 4 stars). 3 submissions from 3 submitters: Pathogenic (1); Likely pathogenic (2). Last evaluated 2025-05-07.

Conditions:
Arrhythmogenic right ventricular cardiomyopathy (ARVD). Also called: Arrhythmogenic cardiomyopathy; Arrhythmogenic Right Ventricular Cardiomyopathy (ARVC); Cardiomyopathy, ARVC; Arrhythmogenic right ventricular dysplasia. Identifiers: Orphanet 247, MedGen C0349788, MeSH D019571, MONDO:0016587. Disease mechanism: loss of function. Inheritance: Various modes of inheritance.
Arrhythmogenic right ventricular dysplasia 8 (ARVD8). Also called: Arrhythmogenic Right Ventricular Dysplasia/Cardiomyopathy 8; ARRHYTHMOGENIC RIGHT VENTRICULAR DYSPLASIA, FAMILIAL, 8; ARRHYTHMOGENIC RIGHT VENTRICULAR CARDIOMYOPATHY 8. Identifiers: MedGen C1843896, MONDO:0011831, OMIM 607450.
Arrhythmogenic cardiomyopathy with wooly hair and keratoderma. Also called: Dilated cardiomyopathy with woolly hair and keratoderma; Arrhythmogenic cardiomyopathy with woolly hair and keratoderma; PALMOPLANTAR KERATODERMA WITH LEFT VENTRICULAR CARDIOMYOPATHY AND WOOLLY HAIR; Carvajal syndrome. Identifiers: Orphanet 65282, MedGen C1854063, MONDO:0011581, OMIM 605676.

Submissions (3):

Labcorp Genetics (formerly Invitae), Labcorp
Classification: Pathogenic for Arrhythmogenic cardiomyopathy with wooly hair and keratoderma; Arrhythmogenic right ventricular dysplasia 8. Last evaluated: 2025-05-07. Review status: criteria provided, single submitter. Criteria: Invitae Variant Classification Sherloc (09022015). Collection method: clinical testing. Allele origin: germline.
Comment: This sequence change creates a premature translational stop signal (p.Gln307*) in the DSP gene. It is expected to result in an absent or disrupted protein product. Loss-of-function variants in DSP are known to be pathogenic (PMID: 20716751, 24503780, 25227139). This variant is not present in population databases (gnomAD no frequency). This variant has not been reported in the literature in individuals affected with DSP-related conditions. ClinVar contains an entry for this variant (Variation ID: 517382). For these reasons, this variant has been classified as Pathogenic.

GeneDx
Classification: Likely pathogenic. Last evaluated: 2024-11-04. Review status: criteria provided, single submitter. Criteria: GeneDx Variant Classification Process June 2021. Collection method: clinical testing. Allele origin: germline. Affected: yes.
Comment: Nonsense variant predicted to result in protein truncation or nonsense mediated decay in a gene for which loss of function is a known mechanism of disease; Not observed at significant frequency in large population cohorts (gnomAD); This variant is associated with the following publications: (PMID: 31447099, 33684294, 32410525)

Laboratory for Molecular Medicine, Mass General Brigham Personalized Medicine
Classification: Likely pathogenic for Arrhythmogenic right ventricular cardiomyopathy. Last evaluated: 2017-07-17. Review status: criteria provided, single submitter. Criteria: LMM Criteria. Collection method: clinical testing. Allele origin: germline. Inheritance: Autosomal dominant inheritance. Observed: 1 variant allele.
Comment: The p.Gln307X variant in DSP has not been previously reported in individuals wit h cardiomyopathy or in large population studies. This nonsense variant leads to a premature termination codon at position 307, which is predicted to lead to a t runcated or absent protein. Frameshift and nonsense variants in DSP are strongly associated with ARVC. In summary, although additional studies are required to f ully establish its clinical significance, the p.Gln307X variant is likely pathog enic.

Literature cited by the submitters: PubMed 20716751 (cited by Labcorp Genetics (formerly Invitae), Labcorp); PubMed 24503780 (cited by Labcorp Genetics (formerly Invitae), Labcorp); PubMed 25227139 (cited by Labcorp Genetics (formerly Invitae), Labcorp).